The following is an entry in ClinVar:

ClinVar aggregate classification (germline): Uncertain significance (1 of 4 stars; one submission).

Conditions:
Neuroblastoma, susceptibility to, 3. Also called: ALK-Related Neuroblastic Tumor Susceptibility. Identifiers: Orphanet 635, MedGen C2751681, MONDO:0013083, OMIM 613014.

Submission:

Labcorp Genetics (formerly Invitae), Labcorp
Classification: Uncertain significance for Neuroblastoma, susceptibility to, 3. Last evaluated: 2021-10-11. Review status: criteria provided, single submitter. Criteria: Invitae Variant Classification Sherloc (09022015). Collection method: clinical testing. Allele origin: germline.
Comment: Algorithms developed to predict the effect of missense changes on protein structure and function (SIFT, PolyPhen-2, Align-GVGD) all suggest that this variant is likely to be disruptive. In summary, the available evidence is currently insufficient to determine the role of this variant in disease. Therefore, it has been classified as a Variant of Uncertain Significance. This variant has not been reported in the literature in individuals affected with ALK-related conditions. This variant is not present in population databases (ExAC no frequency). This sequence change replaces threonine with asparagine at codon 697 of the ALK protein (p.Thr697Asn). The threonine residue is highly conserved and there is a small physicochemical difference between threonine and asparagine.

NM_004304.5(ALK):c.2090C>A (p.Thr697Asn)

Gene: ALK (ALK receptor tyrosine kinase; minus strand). Cytogenetic location: 2p23.2.
Variant type: single nucleotide variant.
Coding change: c.2090C>A on transcript NM_004304.5 (MANE Select); coding-DNA position 2090, C replaced by A.
Protein change: p.Thr697Asn; replaces threonine 697 with asparagine.
Molecular consequence: missense variant.
Genome position (GRCh38, 1-based): chr2:29,251,219, G>T on the plus strand (C>A on the coding strand, the complement: ALK is on the minus strand). VCF-style: chr2-29251219-G-T. GRCh37 (hg19) VCF-style: chr2-29474085-G-T.
Other names: short protein forms T697N.
Identifiers: ClinVar variation 1385540 (VCV001385540.6), dbSNP rs1339495215, ClinGen allele CA346477092.